The following is an entry in ClinVar:

NM_181703.4(GJA5):c.994C>T (p.Arg332Cys)

Gene: GJA5 (gap junction protein alpha 5; minus strand). Cytogenetic location: 1q21.2.
Variant type: single nucleotide variant.
Coding change: c.994C>T on transcript NM_181703.4 (MANE Select); coding-DNA position 994, C replaced by T.
Protein change: p.Arg332Cys; replaces arginine 332 with cysteine.
Molecular consequence: missense variant.
Genome position (GRCh38, 1-based): chr1:147,758,245, G>A on the plus strand (C>T on the coding strand, the complement: GJA5 is on the minus strand). VCF-style: chr1-147758245-G-A. GRCh37 (hg19) VCF-style: chr1-147230353-G-A.
Other names: c.994C>T, p.Arg332Cys (NM_005266.7); short protein forms R332C.
Identifiers: ClinVar variation 1444316 (VCV001444316.8), dbSNP rs782175029, ClinGen allele CA1065665.

ClinVar aggregate classification (germline): Uncertain significance (1 of 4 stars; one submission).

Conditions:
Atrial standstill 1 (ATRST1). Also called: ATRIAL CARDIOMYOPATHY WITH HEART BLOCK; CARDIOMYOPATHY, FAMILIAL, WITH CONDUCTION DISTURBANCE; Atrial standstill, digenic (GJA5/SCN5A). Identifiers: Orphanet 1344, MedGen C4551959, MONDO:0007171, OMIM 108770.
Atrial fibrillation, familial, 11 (ATFB11). Identifiers: MedGen C3279693, MONDO:0013544, OMIM 614049.

Allele frequency attached by ClinVar (database versions not stated): gnomAD exomes below 0.00001 and 0.00002; TOPMed below 0.00001; ExAC 0.00001.
gnomAD v4.1: 9 of 1,614,126 alleles (0.00056%); highest among the groups gnomAD compares: East Asian, 0.0089%; no homozygotes.

Submission:

Labcorp Genetics (formerly Invitae), Labcorp
Classification: Uncertain significance for Atrial fibrillation, familial, 11; Atrial standstill 1. Last evaluated: 2022-05-01. Review status: criteria provided, single submitter. Criteria: Invitae Variant Classification Sherloc (09022015). Collection method: clinical testing. Allele origin: germline.
Comment: Algorithms developed to predict the effect of missense changes on protein structure and function output the following: SIFT: "Not Available"; PolyPhen-2: "Benign"; Align-GVGD: "Not Available". The cysteine amino acid residue is found in multiple mammalian species, which suggests that this missense change does not adversely affect protein function. This sequence change replaces arginine, which is basic and polar, with cysteine, which is neutral and slightly polar, at codon 332 of the GJA5 protein (p.Arg332Cys). This variant is present in population databases (rs782175029, gnomAD 0.01%). This variant has not been reported in the literature in individuals affected with GJA5-related conditions. In summary, the available evidence is currently insufficient to determine the role of this variant in disease. Therefore, it has been classified as a Variant of Uncertain Significance.